The following is an entry in ClinVar:

NM_001267550.2(TTN):c.79338A>G (p.Leu26446=)

Genes: TTN (titin; minus strand), TTN-AS1 (TTN antisense RNA 1; plus strand). Cytogenetic location: 2q31.2.
Variant type: single nucleotide variant.
Coding change: c.79338A>G on transcript NM_001267550.2 (MANE Select); coding-DNA position 79338, A replaced by G.
Protein change: p.Leu26446=; no amino-acid change (leucine 26446 retained).
Molecular consequence: synonymous variant.
Genome position (GRCh38, 1-based): chr2:178,566,794, T>C on the plus strand (A>G on the coding strand, the complement: TTN is on the minus strand). VCF-style: chr2-178566794-T-C. GRCh37 (hg19) VCF-style: chr2-179431521-T-C.
Other names: c.74415A>G, p.Leu24805= (NM_001256850.1); c.52143A>G, p.Leu17381= (NM_003319.4); c.71634A>G, p.Leu23878= (NM_133378.4); c.52518A>G, p.Leu17506= (NM_133432.3); c.52719A>G, p.Leu17573= (NM_133437.4).
Identifiers: ClinVar variation 3352502 (VCV003352502.2).

ClinVar aggregate classification (germline): Likely benign. Review status: criteria provided, single submitter (1 of 4 stars). 2 submissions from 2 submitters: Likely benign (1). 1 of the submissions does not count toward it. Last evaluated 2026-02-19.

Conditions:
TTN-related disorder. Also called: TTN-related disorders; TTN-related condition; TTN-related disease.
Cardiovascular phenotype. Identifiers: MedGen CN230736.

Submissions (2):

Ambry Genetics
Classification: Likely benign for Cardiovascular phenotype. Last evaluated: 2026-02-19. Review status: criteria provided, single submitter. Criteria: Ambry Variant Classification Scheme 2023. Collection method: clinical testing. Allele origin: germline.

PreventionGenetics, part of Exact Sciences
Classification: Likely benign for TTN-related condition. Last evaluated: 2024-07-22. Review status: no assertion criteria provided. Collection method: clinical testing. Allele origin: germline. Not counted in ClinVar's aggregate classification.
Comment: This variant is classified as likely benign based on ACMG/AMP sequence variant interpretation guidelines (Richards et al. 2015 PMID: 25741868, with internal and published modifications).